The following is an entry in ClinVar:

NC_000005.10:g.112707467G>C

Gene: APC (APC regulator of Wnt signaling pathway; plus strand). Cytogenetic location: 5q22.2.
Variant type: single nucleotide variant.
Genome position: GRCh38 VCF-style: chr5-112707467-G-C. GRCh37 (hg19) VCF-style: chr5-112043164-G-C.
Identifiers: ClinVar variation 1525534 (VCV001525534.6), dbSNP rs2149628912, ClinGen allele CA2573138767.

ClinVar aggregate classification (germline): Uncertain significance (1 of 4 stars; one submission).

Conditions:
Familial adenomatous polyposis 1 (FAP1). Also called: FAMILIAL ADENOMATOUS POLYPOSIS 1, ATTENUATED; POLYPOSIS, ADENOMATOUS INTESTINAL. Identifiers: MedGen C2713442, MONDO:0021056, OMIM 175100. Disease mechanism: loss of function.

Submission:

Labcorp Genetics (formerly Invitae), Labcorp
Classification: Uncertain significance for Familial adenomatous polyposis 1. Last evaluated: 2021-04-11. Review status: criteria provided, single submitter. Criteria: Invitae Variant Classification Sherloc (09022015). Collection method: clinical testing. Allele origin: germline.
Comment: In summary, the available evidence is currently insufficient to determine the role of this variant in disease. Therefore, it has been classified as a Variant of Uncertain Significance. Experimental studies and prediction algorithms are not available or were not evaluated, and the functional significance of this variant is currently unknown. This variant has not been reported in the literature in individuals with APC-related conditions. The frequency data for this variant in the population databases is considered unreliable, as metrics indicate insufficient coverage at this position in the ExAC database. This variant occurs in a non-coding region of the APC gene. It does not change the encoded amino acid sequence of the APC protein.